The following is an entry in ClinVar:

ClinVar aggregate classification (germline): Uncertain significance (1 of 4 stars; one submission).

gnomAD v4.1: 1 of 1,614,072 alleles (0.000062%); highest among the groups gnomAD compares: Non-Finnish European, 0.000085%; no homozygotes.

Submission:

Labcorp Genetics (formerly Invitae), Labcorp
Classification: Uncertain significance. Last evaluated: 2021-11-27. Review status: criteria provided, single submitter. Criteria: Invitae Variant Classification Sherloc (09022015). Collection method: clinical testing. Allele origin: germline.
Comment: This variant is not present in population databases (gnomAD no frequency). This variant has not been reported in the literature in individuals affected with DHX30-related conditions. Algorithms developed to predict the effect of missense changes on protein structure and function (SIFT, PolyPhen-2, Align-GVGD) all suggest that this variant is likely to be tolerated. In summary, the available evidence is currently insufficient to determine the role of this variant in disease. Therefore, it has been classified as a Variant of Uncertain Significance. This sequence change replaces arginine, which is basic and polar, with glycine, which is neutral and non-polar, at codon 474 of the DHX30 protein (p.Arg474Gly).

NM_138615.3(DHX30):c.1420C>G (p.Arg474Gly)

Gene: DHX30 (DExH-box helicase 30; plus strand). Cytogenetic location: 3p21.31.
Variant type: single nucleotide variant.
Coding change: c.1420C>G on transcript NM_138615.3 (MANE Select); coding-DNA position 1420, C replaced by G.
Protein change: p.Arg474Gly; replaces arginine 474 with glycine.
Molecular consequence: missense variant.
Genome position (GRCh38, 1-based): chr3:47,846,492, C>G. VCF-style: chr3-47846492-C-G. GRCh37 (hg19) VCF-style: chr3-47887982-C-G.
Other names: c.1336C>G, p.Arg446Gly (NM_001330990.2); c.1303C>G, p.Arg435Gly (NM_014966.4); short protein forms R435G, R446G, R474G.
Identifiers: ClinVar variation 1449616 (VCV001449616.6), dbSNP rs764139820, ClinGen allele CA352586371.